The following is an entry in ClinVar:

NM_206933.4(USH2A):c.3831_3834delinsG (p.Leu1278del)

Genes: USH2A (usherin; minus strand), USH2A-AS1 (USH2A antisense RNA 1; plus strand). Cytogenetic location: 1q41.
Variant type: Indel.
Coding change: c.3831_3834delinsG on transcript NM_206933.4 (MANE Select); coding-DNA positions 3831 to 3834, ACTA replaced by G.
Protein change: p.Leu1278del; deletes leucine 1278.
Molecular consequence: inframe deletion.
Genome position (GRCh38, 1-based): chr1:216,198,562-216,198,565, TAGT replaced by C on the plus strand (ACTA replaced by G on the coding strand, the reverse complement: USH2A is on the minus strand). VCF-style: chr1-216198562-TAGT-C. GRCh37 (hg19) VCF-style: chr1-216371904-TAGT-C.
Other names: c.3831_3834delinsG, p.Leu1278del (NM_007123.6); short protein forms L1278del.
Identifiers: ClinVar variation 438019 (VCV000438019.3), dbSNP rs1215540106, ClinGen allele CA645509089.

ClinVar aggregate classification (germline): Uncertain significance. Review status: criteria provided, single submitter (1 of 4 stars). 2 submissions from 2 submitters: Uncertain significance (1). 1 of the submissions does not count toward it. Last evaluated 2026-04-01.

Conditions:
Usher syndrome. Also called: Usher's syndrome; Usher Syndromes. Identifiers: Orphanet 886, MedGen CN469326, MeSH D052245, MONDO:0019501. Disease mechanism: loss of function.

Submissions (2):

Women's Health and Genetics/Laboratory Corporation of America, LabCorp
Classification: Uncertain significance. Last evaluated: 2026-04-01. Review status: criteria provided, single submitter. Criteria: LabCorp Variant Classification Summary - May 2015. Collection method: clinical testing. Allele origin: germline.
Comment: Variant summary: USH2A c.3831_3834delinsG (p.Leu1278del) results in an in-frame deletion that is predicted to remove 1 amino acid from the encoded protein. The variant allele was found at a frequency of 4e-06 in 250110 control chromosomes. c.3831_3834delinsG has been observed in at-least two individuals affected with Usher Syndrome (Mansard_2021, Carss_2017, Lin_2024). These data indicate that the variant may be associated with disease. To our knowledge, no experimental evidence demonstrating an impact on protein function has been reported. The following publications have been ascertained in the context of this evaluation (PMID: 28041643, 38219857, 34948090). ClinVar contains an entry for this variant (Variation ID: 438019). Based on the evidence outlined above, the variant was classified as VUS-possibly pathogenic.

NIHR Bioresource Rare Diseases, University of Cambridge
Classification: Likely pathogenic for Usher syndrome. Last evaluated: 2015-01-01. Review status: no assertion criteria provided. Collection method: research. Allele origin: unknown. Affected: yes. Observed: 1 variant allele. Not counted in ClinVar's aggregate classification.

Literature cited by the submitters: PubMed 28041643 (cited by Women's Health and Genetics/Laboratory Corporation of America, LabCorp and NIHR Bioresource Rare Diseases, University of Cambridge); PubMed 34948090 (cited by Women's Health and Genetics/Laboratory Corporation of America, LabCorp); PubMed 38219857 (cited by Women's Health and Genetics/Laboratory Corporation of America, LabCorp).